The following is an entry in ClinVar:

ClinVar aggregate classification (germline): Uncertain significance (1 of 4 stars; one submission).

gnomAD v4.1: 1 of 1,207,187 alleles (0.000083%); highest among the groups gnomAD compares: Non-Finnish European, 0.00011%; no homozygotes.

Submission:

GeneDx
Classification: Uncertain significance. Last evaluated: 2023-08-07. Review status: criteria provided, single submitter. Criteria: GeneDx Variant Classification Process June 2021. Collection method: clinical testing. Allele origin: germline. Affected: yes.
Comment: Not observed at significant frequency in large population cohorts (gnomAD); In silico analysis supports that this missense variant does not alter protein structure/function; Has not been previously published as pathogenic or benign to our knowledge

NM_016120.4(RLIM):c.226C>A (p.Pro76Thr)

Gene: RLIM (ring finger protein, LIM domain interacting; minus strand). Cytogenetic location: Xq13.2.
Variant type: single nucleotide variant.
Coding change: c.226C>A on transcript NM_016120.4 (MANE Select); coding-DNA position 226, C replaced by A.
Protein change: p.Pro76Thr; replaces proline 76 with threonine.
Molecular consequence: missense variant.
Genome position (GRCh38, 1-based): chrX:74,594,333, G>T on the plus strand (C>A on the coding strand, the complement: RLIM is on the minus strand). VCF-style: chrX-74594333-G-T. GRCh37 (hg19) VCF-style: chrX-73814168-G-T.
Other names: c.226C>A, p.Pro76Thr (NM_183353.3); short protein forms P76T.
Identifiers: ClinVar variation 2575729 (VCV002575729.1), dbSNP rs1372981983, ClinGen allele CA413663056.